The following is an entry in ClinVar:

ClinVar aggregate classification (germline): Uncertain significance. Review status: criteria provided, multiple submitters, no conflicts (2 of 4 stars). 2 submissions from 2 submitters: Uncertain significance (2). Last evaluated 2024-08-04.

Allele frequency attached by ClinVar (database versions not stated): ExAC 0.00002.
gnomAD v4.1: 40 of 1,610,436 alleles (0.0025%); highest among the groups gnomAD compares: Admixed American, 0.0067%; no homozygotes.

Submissions (2):

Ambry Genetics
Classification: Uncertain significance. Last evaluated: 2024-08-04. Review status: criteria provided, single submitter. Criteria: Ambry Variant Classification Scheme 2023. Collection method: clinical testing. Allele origin: germline.

Labcorp Genetics (formerly Invitae), Labcorp
Classification: Uncertain significance. Last evaluated: 2022-02-20. Review status: criteria provided, single submitter. Criteria: Invitae Variant Classification Sherloc (09022015). Collection method: clinical testing. Allele origin: germline.
Comment: In summary, the available evidence is currently insufficient to determine the role of this variant in disease. Therefore, it has been classified as a Variant of Uncertain Significance. Algorithms developed to predict the effect of missense changes on protein structure and function are either unavailable or do not agree on the potential impact of this missense change (SIFT: "Tolerated"; PolyPhen-2: "Probably Damaging"; Align-GVGD: "Class C0"). This variant has not been reported in the literature in individuals affected with SORL1-related conditions. This variant is present in population databases (rs748981649, gnomAD 0.006%). This sequence change replaces aspartic acid, which is acidic and polar, with glutamic acid, which is acidic and polar, at codon 1161 of the SORL1 protein (p.Asp1161Glu).

NM_003105.6(SORL1):c.3483C>G (p.Asp1161Glu)

Gene: SORL1 (sortilin related receptor 1; plus strand). Cytogenetic location: 11q24.1.
Variant type: single nucleotide variant.
Coding change: c.3483C>G on transcript NM_003105.6 (MANE Select); coding-DNA position 3483, C replaced by G.
Protein change: p.Asp1161Glu; replaces aspartic acid 1161 with glutamic acid.
Molecular consequence: missense variant.
Genome position (GRCh38, 1-based): chr11:121,577,303, C>G. VCF-style: chr11-121577303-C-G. GRCh37 (hg19) VCF-style: chr11-121448012-C-G.
Other names: c.3483C>G (NM_003105.5); short protein forms D1161E.
Identifiers: ClinVar variation 1897657 (VCV001897657.6), dbSNP rs748981649, ClinGen allele CA6329282.